The following is an entry in ClinVar:

NM_002471.4(MYH6):c.3892G>A (p.Ala1298Thr)

Gene: MYH6 (myosin heavy chain 6; minus strand). Cytogenetic location: 14q11.2.
Variant type: single nucleotide variant.
Coding change: c.3892G>A on transcript NM_002471.4 (MANE Select); coding-DNA position 3892, G replaced by A.
Protein change: p.Ala1298Thr; replaces alanine 1298 with threonine.
Molecular consequence: missense variant.
Genome position (GRCh38, 1-based): chr14:23,389,479, C>T on the plus strand (G>A on the coding strand, the complement: MYH6 is on the minus strand). VCF-style: chr14-23389479-C-T. GRCh37 (hg19) VCF-style: chr14-23858688-C-T.
Other names: short protein forms A1298T.
Identifiers: ClinVar variation 2079037 (VCV002079037.5), dbSNP rs1177022370, ClinGen allele CA389002957.
Genomic context (GRCh38, chr14:23,389,479, plus strand): 5'-TGAGGTCCTCCATTTGCTGGGTATAAGAGAGCTTCCCCCGGGTCAGCTGCGAGATTAGCG[C>T]CTCCTTTTCCTCTAGCTGCCGGGCCAACTCTCCTGGAGGTGAAATGAGGGGCTTGTGGGC-3'
Protein context (NP_002462.2, residues 1288-1308): ELARQLEEKE[Ala1298Thr]LISQLTRGKL

ClinVar aggregate classification (germline): Uncertain significance. Review status: criteria provided, multiple submitters, no conflicts (2 of 4 stars). 2 submissions from 2 submitters: Uncertain significance (2). Last evaluated 2024-01-25.

Conditions:
Hypertrophic cardiomyopathy 14. Identifiers: MedGen C2750467, MONDO:0013197, OMIM 613251.

Allele frequency attached by ClinVar (database versions not stated): gnomAD exomes below 0.00001; TOPMed below 0.00001.
gnomAD v4.1: 1 of 1,614,136 alleles (0.000062%); highest among the groups gnomAD compares: Non-Finnish European, 0.000085%; no homozygotes.

Submissions (2):

GeneDx
Classification: Uncertain significance. Last evaluated: 2024-01-25. Review status: criteria provided, single submitter. Criteria: GeneDx Variant Classification Process June 2021. Collection method: clinical testing. Allele origin: germline. Affected: yes.
Comment: Not observed at significant frequency in large population cohorts (gnomAD); In silico analysis supports that this missense variant does not alter protein structure/function; Has not been previously published as pathogenic or benign to our knowledge

Labcorp Genetics (formerly Invitae), Labcorp
Classification: Uncertain significance for Hypertrophic cardiomyopathy 14. Last evaluated: 2022-09-14. Review status: criteria provided, single submitter. Criteria: Invitae Variant Classification Sherloc (09022015). Collection method: clinical testing. Allele origin: germline.
Comment: This sequence change replaces alanine, which is neutral and non-polar, with threonine, which is neutral and polar, at codon 1298 of the MYH6 protein (p.Ala1298Thr). This variant is not present in population databases (gnomAD no frequency). This variant has not been reported in the literature in individuals affected with MYH6-related conditions. Advanced modeling of protein sequence and biophysical properties (such as structural, functional, and spatial information, amino acid conservation, physicochemical variation, residue mobility, and thermodynamic stability) performed at Invitae indicates that this missense variant is not expected to disrupt MYH6 protein function. In summary, the available evidence is currently insufficient to determine the role of this variant in disease. Therefore, it has been classified as a Variant of Uncertain Significance.